The following is an entry in ClinVar:

ClinVar aggregate classification (germline): Uncertain significance (1 of 4 stars; one submission).

Conditions:
Severe combined immunodeficiency, autosomal recessive, T cell-negative, B cell-negative, NK cell-positive. Also called: SCID, AR, T-cell negative, B-cell negative, NK cell-positive; SCID, T CELL-NEGATIVE, B CELL-NEGATIVE, NK CELL-POSITIVE; Severe combined immunodeficiency due to complete RAG1/2 deficiency. Identifiers: Orphanet 331206, MedGen C1832322, MONDO:0011086, OMIM 601457.
Combined immunodeficiency with skin granulomas. Identifiers: Orphanet 157949, MedGen C2673536, MONDO:0009306, OMIM 233650.

gnomAD v4.1: 1 of 1,614,244 alleles (0.000062%); highest among the groups gnomAD compares: Non-Finnish European, 0.000085%; no homozygotes.

Submission:

Labcorp Genetics (formerly Invitae), Labcorp
Classification: Uncertain significance for Combined immunodeficiency with skin granulomas; Severe combined immunodeficiency, autosomal recessive, T cell-negative, B cell-negative, NK cell-positive. Last evaluated: 2024-11-05. Review status: criteria provided, single submitter. Criteria: Invitae Variant Classification Sherloc (09022015). Collection method: clinical testing. Allele origin: germline.
Comment: This sequence change replaces isoleucine, which is neutral and non-polar, with valine, which is neutral and non-polar, at codon 92 of the RAG2 protein (p.Ile92Val). This variant is not present in population databases (gnomAD no frequency). This variant has not been reported in the literature in individuals affected with RAG2-related conditions. Invitae Evidence Modeling of protein sequence and biophysical properties (such as structural, functional, and spatial information, amino acid conservation, physicochemical variation, residue mobility, and thermodynamic stability) indicates that this missense variant is not expected to disrupt RAG2 protein function with a negative predictive value of 80%. In summary, the available evidence is currently insufficient to determine the role of this variant in disease. Therefore, it has been classified as a Variant of Uncertain Significance.

NM_000536.4(RAG2):c.274A>G (p.Ile92Val)

Gene: RAG2 (recombination activating 2; minus strand). Cytogenetic location: 11p12.
Variant type: single nucleotide variant.
Coding change: c.274A>G on transcript NM_000536.4 (MANE Select); coding-DNA position 274, A replaced by G.
Protein change: p.Ile92Val; replaces isoleucine 92 with valine.
Molecular consequence: missense variant.
Genome position (GRCh38, 1-based): chr11:36,593,895, T>C on the plus strand (A>G on the coding strand, the complement: RAG2 is on the minus strand). VCF-style: chr11-36593895-T-C. GRCh37 (hg19) VCF-style: chr11-36615445-T-C.
Other names: c.274A>G, p.Ile92Val (NM_001243785.2, NM_001243786.2); short protein forms I92V.
Identifiers: ClinVar variation 3753750 (VCV003753750.2).
Genomic context (GRCh38, chr11:36,593,895, plus strand): 5'-TAGACATGACATAAATCTTATCTGAAACCTCATTGTTTGGTGTTTTCCCTCCATGGATGA[T>C]GTATTGATGCTTTTCAGACTCCAAGCTGCCTTTGAATGTGCAAGTGGCTGGGTAGCGAAG-3'
Protein context (NP_000527.2, residues 82-102): GSLESEKHQY[Ile92Val]IHGGKTPNNE